The following is an entry in ClinVar:

NM_000059.4(BRCA2):c.841G>C (p.Asp281His)

Gene: BRCA2 (BRCA2 DNA repair associated; plus strand). Cytogenetic location: 13q13.1.
Variant type: single nucleotide variant.
Coding change: c.841G>C on transcript NM_000059.4 (MANE Select); coding-DNA position 841, G replaced by C.
Protein change: p.Asp281His; replaces aspartic acid 281 with histidine.
Molecular consequence: missense variant.
Genome position (GRCh38, 1-based): chr13:32,332,319, G>C. VCF-style: chr13-32332319-G-C. GRCh37 (hg19) VCF-style: chr13-32906456-G-C.
Other names: c.841G>C, p.Asp281His (NM_001406719.1, NM_001406720.1, NM_001406721.1); short protein forms D281H.
Identifiers: ClinVar variation 2143354 (VCV002143354.6), dbSNP rs80359088, ClinGen allele CA387760496.

ClinVar aggregate classification (germline): Conflicting classifications of pathogenicity. Review status: criteria provided, conflicting classifications (1 of 4 stars). 2 submissions from 2 submitters: Uncertain significance (1); Likely benign (1). Last evaluated 2023-03-23.

Conditions:
Hereditary cancer-predisposing syndrome. Also called: Neoplastic Syndromes, Hereditary; Tumor predisposition; Hereditary neoplastic syndrome; Hereditary Cancer Syndrome. Identifiers: Orphanet 140162, MedGen C0027672, MeSH D009386, MONDO:0015356.
Hereditary breast ovarian cancer syndrome. Also called: Hereditary breast and ovarian cancer syndrome; Hereditary breast and/or ovarian cancer syndrome; Hereditary breast and ovarian cancer; BRCA1- and BRCA2-Associated Hereditary Breast and Ovarian Cancer; Hereditary breast and ovarian cancer syndrome (HBOC); Breast and ovarian cancer. Identifiers: Orphanet 145, MedGen C0677776, MeSH D061325, MONDO:0003582. Disease mechanism: loss of function.

Submissions (2):

University of Washington Department of Laboratory Medicine, University of Washington
Classification: Likely benign for Hereditary cancer-predisposing syndrome. Last evaluated: 2023-03-23. Review status: criteria provided, single submitter. Criteria: Dines et al. (Genet Med. 2020). Collection method: curation. Allele origin: germline.
Comment: Missense variant in a coldspot region where missense variants are very unlikely to be pathogenic (PMID:31911673).

BRCA2 exon 10 coldspot. Reclassification based on statistical prior probability.

Labcorp Genetics (formerly Invitae), Labcorp
Classification: Uncertain significance for Hereditary breast ovarian cancer syndrome. Last evaluated: 2022-03-10. Review status: criteria provided, single submitter. Criteria: Invitae Variant Classification Sherloc (09022015). Collection method: clinical testing. Allele origin: germline.
Comment: In summary, the available evidence is currently insufficient to determine the role of this variant in disease. Therefore, it has been classified as a Variant of Uncertain Significance. Advanced modeling of protein sequence and biophysical properties (such as structural, functional, and spatial information, amino acid conservation, physicochemical variation, residue mobility, and thermodynamic stability) performed at Invitae indicates that this missense variant is not expected to disrupt BRCA2 protein function. This variant has not been reported in the literature in individuals affected with BRCA2-related conditions. This variant is not present in population databases (gnomAD no frequency). This sequence change replaces aspartic acid, which is acidic and polar, with histidine, which is basic and polar, at codon 281 of the BRCA2 protein (p.Asp281His).